The following is an entry in ClinVar:

NM_000038.6(APC):c.-18-7765C>A

Gene: APC (APC regulator of WNT signaling pathway; plus strand). Cytogenetic location: 5q22.2.
Variant type: single nucleotide variant.
Coding change: c.-18-7765C>A on transcript NM_000038.6 (MANE Select); 7765 bases into the intron before 18 bases upstream of the start codon, C replaced by A.
Molecular consequence: intron variant.
Genome position (GRCh38, 1-based): chr5:112,747,108, C>A. VCF-style: chr5-112747108-C-A. GRCh37 (hg19) VCF-style: chr5-112082805-C-A.
Other names: c.-18-7765C>A (NM_001354895.2, NM_001127510.3, NM_001354896.2 and 2 more transcripts); c.166-19218C>A (NM_001354897.2, NM_001354902.2, NM_001127511.3); c.60+8648C>A (NM_001354898.2, NM_001354904.2); c.-1053-7765C>A (NM_001354906.2); c.-43+9183C>A (NM_001354900.2, NM_001354901.2, NM_001354905.2).
Identifiers: ClinVar variation 82785 (VCV000082785.2), dbSNP rs75728657, ClinGen allele CA006240.

ClinVar aggregate classification (germline): other (0 of 4 stars; one submission).

Conditions:
Familial colorectal cancer. Identifiers: MedGen CN280943, MONDO:0023113. Disease mechanism: loss of function.

Allele frequency attached by ClinVar (database versions not stated): TOPMed below 0.00001.

Submission:

Systems Biology Platform Zhejiang California International NanoSystems Institute
Classification: other for Familial colorectal cancer. Review status: no assertion criteria provided. Collection method: not provided. Allele origin: unknown.
ClinVar note: Converted during submission from cancer to other.